The following is an entry in ClinVar:

ClinVar aggregate classification (germline): Likely pathogenic (1 of 4 stars; one submission).

Conditions:
Tuberous sclerosis 2 (TSC2). Identifiers: Orphanet 805, MedGen C1860707, MONDO:0013199, OMIM 613254.

Submission:

Neuberg Centre For Genomic Medicine, NCGM
Classification: Likely pathogenic for Tuberous sclerosis 2. Review status: criteria provided, single submitter. Criteria: ACMG Guidelines, 2015. Collection method: clinical testing. Allele origin: germline. Affected: yes.
Comment: The frameshift deletion p.N363Kfs*26 in TSC2 (NM_000548.5) has not been reported previously as a pathogenic variant nor as a benign variant, to our knowledge. The p.N363Kfs*26 variant is novel (not in any individuals) in gnomAD Exomes and is novel (not in any individuals) in 1000 Genomes.This variant is predicted to cause loss of normal protein function through protein truncation. For these reasons, this variant has been classified as Likely Pathogenic

NM_000548.5(TSC2):c.1089del (p.Asn363fs)

Gene: TSC2 (TSC complex subunit 2; plus strand). Cytogenetic location: 16p13.3.
Variant type: Deletion.
Coding change: c.1089del on transcript NM_000548.5 (MANE Select); coding-DNA position 1089, one base deleted (C; older notation c.1089delC).
Protein change: p.Asn363fs; shifts the reading frame from asparagine 363.
Molecular consequence: frameshift variant.
Genome position (GRCh38, 1-based): chr16:2,060,783, C deleted. VCF-style (leftmost placement, unchanged base first): chr16-2060782-AC-A. GRCh37 (hg19) VCF-style: chr16-2110783-AC-A.
Other names: c.942del, p.Asn314fs (NM_001318829.2); c.489del, p.Asn163fs (NM_001318831.2); c.1122del, p.Asn374fs (NM_001318832.2); c.1089delC, p.Asn363Lysfs (NM_001406664.1, NM_001406665.1, NM_001406663.1); c.1089del, p.Asn363fs (NM_001077183.3, NM_001114382.3, NM_001363528.2 and 3 more transcripts); c.978del, p.Asn326fs (NM_001318827.2); c.1179delC, p.Asn393Lysfs (NM_001406667.1, NM_001406668.1); c.978delC, p.Asn326Lysfs (NM_001406670.1, NM_001406678.1); and 8 more; short protein forms N163fs, N314fs, N326fs, N363fs, N374fs.
Identifiers: ClinVar variation 1878647 (VCV001878647.1), dbSNP rs2548522648, ClinGen allele CA2580090699.